The following is an entry in ClinVar:

ClinVar aggregate classification (germline): Uncertain significance (1 of 4 stars; one submission).

Allele frequency attached by ClinVar (database versions not stated): gnomAD 0.00001.
gnomAD v4.1: 25 of 1,613,994 alleles (0.0015%); highest among the groups gnomAD compares: Non-Finnish European, 0.002%; no homozygotes.

Submission:

Labcorp Genetics (formerly Invitae), Labcorp
Classification: Uncertain significance. Last evaluated: 2023-03-13. Review status: criteria provided, single submitter. Criteria: Invitae Variant Classification Sherloc (09022015). Collection method: clinical testing. Allele origin: germline.
Comment: In summary, the available evidence is currently insufficient to determine the role of this variant in disease. Therefore, it has been classified as a Variant of Uncertain Significance. An algorithm developed to predict the effect of missense changes on protein structure and function (PolyPhen-2) suggests that this variant is likely to be tolerated. This variant has not been reported in the literature in individuals affected with CUL7-related conditions. This variant is present in population databases (no rsID available, gnomAD 0.002%). This sequence change replaces glutamine, which is neutral and polar, with lysine, which is basic and polar, at codon 119 of the CUL7 protein (p.Gln119Lys).

NM_014780.5(CUL7):c.355C>A (p.Gln119Lys)

Gene: CUL7 (cullin 7; minus strand). Cytogenetic location: 6p21.1.
Variant type: single nucleotide variant.
Coding change: c.355C>A on transcript NM_014780.5 (MANE Select); coding-DNA position 355, C replaced by A.
Protein change: p.Gln119Lys; replaces glutamine 119 with lysine.
Molecular consequence: missense variant.
Genome position (GRCh38, 1-based): chr6:43,052,434, G>T on the plus strand (C>A on the coding strand, the complement: CUL7 is on the minus strand). VCF-style: chr6-43052434-G-T. GRCh37 (hg19) VCF-style: chr6-43020172-G-T.
Other names: c.355C>A, p.Gln119Lys (NM_001168370.2, NM_001374872.1, NM_001374873.1 and 1 more transcripts); short protein forms Q119K.
Identifiers: ClinVar variation 2989660 (VCV002989660.3), dbSNP rs1266161067, ClinGen allele CA364230094.